The following is an entry in ClinVar:

NM_001128431.4(SLC39A14):c.508C>G (p.Leu170Val)

Gene: SLC39A14 (solute carrier family 39 member 14; plus strand). Cytogenetic location: 8p21.3.
Variant type: single nucleotide variant.
Coding change: c.508C>G on transcript NM_001128431.4 (MANE Select); coding-DNA position 508, C replaced by G.
Protein change: p.Leu170Val; replaces leucine 170 with valine.
Molecular consequence: missense variant. On other transcripts: intron variant (1).
Genome position (GRCh38, 1-based): chr8:22,412,087, C>G. VCF-style: chr8-22412087-C-G. GRCh37 (hg19) VCF-style: chr8-22269600-C-G.
Other names: c.508C>G, p.Leu170Val (NM_001135153.3, NM_001135154.3, NM_001351655.2 and 2 more transcripts); c.538C>G, p.Leu180Val (NM_001351657.2, NM_001351658.2, NM_001351659.2); c.627+1972C>G (NM_015359.6); short protein forms L170V, L180V.
Identifiers: ClinVar variation 870710 (VCV000870710.41), dbSNP rs376221087, ClinGen allele CA173871005.
Genomic context (GRCh38, chr8:22,412,087, plus strand): 5'-CGCACGGCAGTGTGGGGATACGGTCTCCTCTGTGTGACCGTCATCTCCCTCTGCTCCCTC[C>G]TGGGGGCCAGCGTGGTGCCCTTCATGAAGAAGACCTTTTACAAGAGGCTGCTGCTCTACT-3'
Protein context (NP_001121903.1, residues 160-180): CVTVISLCSL[Leu170Val]GASVVPFMKK

ClinVar aggregate classification (germline): Uncertain significance (1 of 4 stars; one submission).

Allele frequency attached by ClinVar (database versions not stated): TOPMed 0.00005; gnomAD 0.00007 and 0.00008; gnomAD exomes 0.00008; ESP Exome Variant Server 0.00022.
gnomAD v4.1: 208 of 1,551,528 alleles (0.013%); highest among the groups gnomAD compares: Non-Finnish European, 0.018%; no homozygotes.

Submission:

CeGaT Center for Human Genetics Tuebingen
Classification: Uncertain significance. Last evaluated: 2022-07-01. Review status: criteria provided, single submitter. Criteria: CeGaT Center For Human Genetics Tuebingen Variant Classification Criteria Version 2. Collection method: clinical testing. Allele origin: germline. Affected: yes. Observed: 3 variant alleles.
Comment: SLC39A14: PM2, BP4